The following is an entry in ClinVar:

NM_004472.3(FOXD1):c.263C>G (p.Ala88Gly)

Gene: FOXD1 (forkhead box D1; minus strand). Cytogenetic location: 5q13.2.
Variant type: single nucleotide variant.
Coding change: c.263C>G on transcript NM_004472.3 (MANE Select); coding-DNA position 263, C replaced by G.
Protein change: p.Ala88Gly; replaces alanine 88 with glycine.
Molecular consequence: missense variant.
Genome position (GRCh38, 1-based): chr5:73,448,100, G>C on the plus strand (C>G on the coding strand, the complement: FOXD1 is on the minus strand). VCF-style: chr5-73448100-G-C. GRCh37 (hg19) VCF-style: chr5-72743925-G-C.
Other names: short protein forms A88G.
Identifiers: ClinVar variation 3056198 (VCV003056198.2), dbSNP rs7705335, ClinGen allele CA3303112.

ClinVar aggregate classification (germline): Benign (0 of 4 stars; one submission).

Conditions:
FOXD1-related disorder. Also called: FOXD1-related condition.

Allele frequency attached by ClinVar (database versions not stated): gnomAD 0.15941; TOPMed 0.17519; 1000 Genomes Project 0.18091; ExAC 0.18718; 1000 Genomes Project 30x 0.18957.
gnomAD v4.1: 37,357 of 1,163,888 alleles (3.2%); highest among the groups gnomAD compares: African/African-American, 55%; 9,359 homozygotes.

Submission:

PreventionGenetics, part of Exact Sciences
Classification: Benign for FOXD1-related condition. Last evaluated: 2019-11-27. Review status: no assertion criteria provided. Collection method: clinical testing. Allele origin: germline.
Comment: This variant is classified as benign based on ACMG/AMP sequence variant interpretation guidelines (Richards et al. 2015 PMID: 25741868, with internal and published modifications).